The following is an entry in ClinVar:

ClinVar aggregate classification (germline): Likely pathogenic (1 of 4 stars; one submission).

Conditions:
Osteogenesis imperfecta type I (OI1). Also called: Lobstein disease; OI, TYPE I; OSTEOGENESIS IMPERFECTA TARDA; OSTEOGENESIS IMPERFECTA WITH BLUE SCLERAE; Osteogenesis imperfecta type 1; Lobstein's Disease. Identifiers: Orphanet 216796, Orphanet 666, MedGen C0023931, MONDO:0008146, OMIM 166200. Disease mechanism: loss of function.
Ehlers-Danlos syndrome, classic type, 1 (EDSCL1). Also called: EDS I; EHLERS-DANLOS SYNDROME, GRAVIS TYPE; EHLERS-DANLOS SYNDROME, SEVERE CLASSIC TYPE; Ehlers-Danlos syndrome, type 1; Ehlers-Danlos Syndrome, Classic Type, COL5A1-Related. Identifiers: MedGen C0268335, MONDO:0019567, OMIM 130000.

Submission:

Labcorp Genetics (formerly Invitae), Labcorp
Classification: Likely pathogenic for Osteogenesis imperfecta type I; Ehlers-Danlos syndrome, classic type, 1. Last evaluated: 2023-05-17. Review status: criteria provided, single submitter. Criteria: Invitae Variant Classification Sherloc (09022015). Collection method: clinical testing. Allele origin: germline.
Comment: This sequence change creates a premature translational stop signal (p.Cys1317*) in the COL1A2 gene. While this is not anticipated to result in nonsense mediated decay, it is expected to disrupt the last 50 amino acid(s) of the COL1A2 protein. This variant is not present in population databases (gnomAD no frequency). This premature translational stop signal has been observed in individual(s) with clinical features of autosomal dominant osteogenesis imperfecta (Invitae). In at least one individual the variant was observed to be de novo. In summary, the currently available evidence indicates that the variant is pathogenic, but additional data are needed to prove that conclusively. Therefore, this variant has been classified as Likely Pathogenic.

NM_000089.4(COL1A2):c.3951C>A (p.Cys1317Ter)

Gene: COL1A2 (collagen type I alpha 2 chain; plus strand). Cytogenetic location: 7q21.3.
Variant type: single nucleotide variant.
Coding change: c.3951C>A on transcript NM_000089.4 (MANE Select); coding-DNA position 3951, C replaced by A.
Protein change: p.Cys1317Ter; replaces cysteine 1317 with a stop codon.
Molecular consequence: nonsense.
Genome position (GRCh38, 1-based): chr7:94,429,427, C>A. VCF-style: chr7-94429427-C-A. GRCh37 (hg19) VCF-style: chr7-94058739-C-A.
Other names: short protein forms C1317*.
Identifiers: ClinVar variation 2946499 (VCV002946499.3), dbSNP rs747369521, ClinGen allele CA368227108.